The following is an entry in ClinVar:

ClinVar aggregate classification (germline): Uncertain significance. Review status: criteria provided, multiple submitters, no conflicts (2 of 4 stars). 2 submissions from 2 submitters: Uncertain significance (2). Last evaluated 2025-10-02.

Conditions:
Ataxia-telangiectasia-like disorder (ATLD). Identifiers: MedGen C1858391, MONDO:0011457.
Hereditary cancer-predisposing syndrome. Also called: Neoplastic Syndromes, Hereditary; Tumor predisposition; Hereditary Cancer Syndrome; Hereditary neoplastic syndrome. Identifiers: Orphanet 140162, MedGen C0027672, MeSH D009386, MONDO:0015356.

Allele frequency attached by ClinVar (database versions not stated): ExAC 0.00001; gnomAD exomes 0.00001 and 0.00002.
gnomAD v4.1: 10 of 1,585,544 alleles (0.00063%); highest among the groups gnomAD compares: South Asian, 0.0088%; no homozygotes.

Submissions (2):

Ambry Genetics
Classification: Uncertain significance for Hereditary cancer-predisposing syndrome. Last evaluated: 2025-10-02. Review status: criteria provided, single submitter. Criteria: Ambry Variant Classification Scheme 2023. Collection method: clinical testing. Allele origin: germline.
Comment: The p.D691N variant (also known as c.2071G>A) is located in coding exon 19 of the MRE11A gene. The aspartic acid at codon 691 is replaced by asparagine, an amino acid with highly similar properties. This change occurs in the first base pair of coding exon 19. This amino acid position is highly conserved in available vertebrate species. In addition, this alteration is predicted to be tolerated by in silico analysis. Since supporting evidence is limited at this time, the clinical significance of this alteration remains unclear. Since supporting evidence is limited at this time, the clinical significance of this alteration remains unclear.

Labcorp Genetics (formerly Invitae), Labcorp
Classification: Uncertain significance for Ataxia-telangiectasia-like disorder. Last evaluated: 2021-09-01. Review status: criteria provided, single submitter. Criteria: Invitae Variant Classification Sherloc (09022015). Collection method: clinical testing. Allele origin: germline.
Comment: This sequence change replaces aspartic acid with asparagine at codon 691 of the MRE11 protein (p.Asp691Asn). The aspartic acid residue is moderately conserved and there is a small physicochemical difference between aspartic acid and asparagine. This variant is present in population databases (rs576011802, ExAC 0.006%). This variant has not been reported in the literature in individuals affected with MRE11-related conditions. Algorithms developed to predict the effect of missense changes on protein structure and function (SIFT, PolyPhen-2, Align-GVGD) all suggest that this variant is likely to be tolerated. In summary, the available evidence is currently insufficient to determine the role of this variant in disease. Therefore, it has been classified as a Variant of Uncertain Significance.

NM_005591.4(MRE11):c.2071G>A (p.Asp691Asn)

Gene: MRE11 (MRE11 double strand break repair nuclease; minus strand). Cytogenetic location: 11q21.
Variant type: single nucleotide variant.
Coding change: c.2071G>A on transcript NM_005591.4 (MANE Select); coding-DNA position 2071, G replaced by A.
Protein change: p.Asp691Asn; replaces aspartic acid 691 with asparagine.
Molecular consequence: missense variant.
Genome position (GRCh38, 1-based): chr11:94,420,181, C>T on the plus strand (G>A on the coding strand, the complement: MRE11 is on the minus strand). VCF-style: chr11-94420181-C-T. GRCh37 (hg19) VCF-style: chr11-94153347-C-T.
Other names: c.2068G>A, p.Asp690Asn (NM_001330347.2); c.1987G>A, p.Asp663Asn (NM_005590.4); short protein forms D663N, D690N, D691N.
Identifiers: ClinVar variation 820639 (VCV000820639.12), dbSNP rs576011802, ClinGen allele CA6234899.
Genomic context (GRCh38, chr11:94,420,181, plus strand): 5'-TATATTATCTTCTATTTCTTCTTAAAGAACTAGTGTTCATAAAAGGATCATCATCATCAT[C>T]CTGAAATGAGATACAAATGTTGTATTAGTGATTGTTCCCTGCTTCACTGAAACAAGACAG-3'
Protein context (NP_005582.1, residues 681-701): SKGVDFESSE[Asp691Asn]DDDDPFMNTS